The following is an entry in ClinVar:

ClinVar aggregate classification (germline): Pathogenic. Review status: criteria provided, multiple submitters, no conflicts (2 of 4 stars). 2 submissions from 2 submitters: Pathogenic (2). Last evaluated 2026-03-23.

Conditions:
Neurofibromatosis, type 1 (NF1). Also called: VON RECKLINGHAUSEN DISEASE; Peripheral type neurofibromatosis; NEUROFIBROMATOSIS, TYPE I, SOMATIC; Neurofibromatosis, type I. Identifiers: Orphanet 636, MedGen C0027831, MONDO:0018975, OMIM 162200. Disease mechanism: loss of function.
Neurofibromatosis, familial spinal (FSNF). Identifiers: Orphanet 636, MedGen C1834235, MONDO:0008078, OMIM 162210. Disease mechanism: loss of function.

Submissions (2):

Praxis Für Humangenetik, Biosciencia MVZ Labor Saar
Classification: Pathogenic for Neurofibromatosis, familial spinal. Last evaluated: 2026-03-23. Review status: criteria provided, single submitter. Criteria: ACMG Guidelines, 2015. Collection method: clinical testing. Allele origin: germline. Inheritance: Autosomal dominant inheritance. Affected: yes.

Labcorp Genetics (formerly Invitae), Labcorp
Classification: Pathogenic for Neurofibromatosis, type 1. Last evaluated: 2024-01-24. Review status: criteria provided, single submitter. Criteria: Invitae Variant Classification Sherloc (09022015). Collection method: clinical testing. Allele origin: germline.
Comment: This sequence change affects a donor splice site in intron 16 of the NF1 gene. It is expected to disrupt RNA splicing. Variants that disrupt the donor or acceptor splice site typically lead to a loss of protein function (PMID: 16199547), and loss-of-function variants in NF1 are known to be pathogenic (PMID: 10712197, 23913538). This variant is not present in population databases (gnomAD no frequency). Disruption of this splice site has been observed in individuals with neurofibromatosis type 1 (PMID: 9195229, 11292340). ClinVar contains an entry for this variant (Variation ID: 859076). Algorithms developed to predict the effect of sequence changes on RNA splicing suggest that this variant may disrupt the consensus splice site. For these reasons, this variant has been classified as Pathogenic.

Literature cited by the submitters: PubMed 16199547 (cited by Labcorp Genetics (formerly Invitae), Labcorp); PubMed 10712197 (cited by Labcorp Genetics (formerly Invitae), Labcorp); PubMed 23913538 (cited by Labcorp Genetics (formerly Invitae), Labcorp); PubMed 9195229 (cited by Labcorp Genetics (formerly Invitae), Labcorp); PubMed 11292340 (cited by Labcorp Genetics (formerly Invitae), Labcorp).

NM_001042492.3(NF1):c.1845+2T>A

Gene: NF1 (neurofibromin 1; plus strand). Cytogenetic location: 17q11.2.
Variant type: single nucleotide variant.
Coding change: c.1845+2T>A on transcript NM_001042492.3 (MANE Select); the canonical splice donor site of the intron after coding-DNA position 1845, T replaced by A.
Molecular consequence: splice donor variant.
Genome position (GRCh38, 1-based): chr17:31,223,569, T>A. VCF-style: chr17-31223569-T-A. GRCh37 (hg19) VCF-style: chr17-29550587-T-A.
Other names: c.1845+2T>A (NM_000267.4).
Identifiers: ClinVar variation 859076 (VCV000859076.8), dbSNP rs1555613430, ClinGen allele CA399004798.